The following is an entry in ClinVar:

ClinVar aggregate classification (germline): Likely benign. Review status: criteria provided, multiple submitters, no conflicts (2 of 4 stars). 2 submissions from 2 submitters: Likely benign (2). Last evaluated 2025-08-01.

Conditions:
ANKRD11-related disorder. Also called: ANKRD11-related condition.

gnomAD v4.1: 263 of 1,613,736 alleles (0.016%); highest among the groups gnomAD compares: Non-Finnish European, 0.022%; no homozygotes.

Submissions (2):

CeGaT Center for Human Genetics Tuebingen
Classification: Likely benign. Last evaluated: 2025-08-01. Review status: criteria provided, single submitter. Criteria: CeGaT Center For Human Genetics Tuebingen Variant Classification Criteria Version 2. Collection method: clinical testing. Allele origin: germline. Affected: yes. Observed: 1 variant allele.
Comment: ANKRD11: BP4, BP7

PreventionGenetics, part of Exact Sciences
Classification: Likely benign for ANKRD11-related condition. Last evaluated: 2025-05-14. Review status: criteria provided, single submitter. Criteria: ACMG Guidelines, 2015. Collection method: clinical testing. Allele origin: germline.
Comment: This variant is classified as likely benign based on ACMG/AMP sequence variant interpretation guidelines (Richards et al. 2015 PMID: 25741868, with internal and published modifications).

NM_013275.6(ANKRD11):c.5220C>T (p.Ala1740=)

Gene: ANKRD11 (ankyrin repeat domain 11; minus strand). Cytogenetic location: 16q24.3.
Variant type: single nucleotide variant.
Coding change: c.5220C>T on transcript NM_013275.6 (MANE Select); coding-DNA position 5220, C replaced by T.
Protein change: p.Ala1740=; no amino-acid change (alanine 1740 retained).
Molecular consequence: synonymous variant.
Genome position (GRCh38, 1-based): chr16:89,281,322, G>A on the plus strand (C>T on the coding strand, the complement: ANKRD11 is on the minus strand). VCF-style: chr16-89281322-G-A. GRCh37 (hg19) VCF-style: chr16-89347730-G-A.
Other names: c.5220C>T, p.Ala1740= (NM_001256182.2, NM_001256183.2); c.5220C>T (NM_013275.5).
Identifiers: ClinVar variation 4084649 (VCV004084649.9).